The following is an entry in ClinVar:

ClinVar aggregate classification (germline): Likely pathogenic (1 of 4 stars; one submission).

Conditions:
Autosomal recessive limb-girdle muscular dystrophy type 2J (LGMDR10). Also called: Limb-girdle muscular dystrophy, type 2J; MUSCULAR DYSTROPHY, LIMB-GIRDLE, AUTOSOMAL RECESSIVE 10. Identifiers: Orphanet 140922, MedGen C1837342, MONDO:0012127, OMIM 608807.
Dilated cardiomyopathy 1G (CMD1G). Identifiers: Orphanet 154, MedGen C1858763, MONDO:0011400, OMIM 604145.

Submission:

Labcorp Genetics (formerly Invitae), Labcorp
Classification: Likely pathogenic for Dilated cardiomyopathy 1G; Autosomal recessive limb-girdle muscular dystrophy type 2J. Last evaluated: 2025-06-16. Review status: criteria provided, single submitter. Criteria: Invitae Variant Classification Sherloc (09022015). Collection method: clinical testing. Allele origin: germline.
Comment: This sequence change creates a premature translational stop signal (p.Tyr26322*) in the TTN gene. While this is not anticipated to result in nonsense mediated decay, it is expected to create a truncated TTN protein. This variant is not present in population databases (gnomAD no frequency). This variant has not been reported in the literature in individuals affected with TTN-related conditions. This variant is located in the A band of TTN (PMID: 25589632). Truncating variants in this region are significantly overrepresented in patients affected with dilated cardiomyopathy (PMID: 25589632). Truncating variants in this region have also been reported in individuals affected with autosomal recessive centronuclear myopathy (PMID: 23975875). In summary, the currently available evidence indicates that the variant is pathogenic, but additional data are needed to prove that conclusively. Therefore, this variant has been classified as Likely Pathogenic.

Literature cited by the submitters: PubMed 25589632; PubMed 23975875.

NM_001267550.2(TTN):c.78966T>A (p.Tyr26322Ter)

Genes: TTN-AS1 (TTN antisense RNA 1; plus strand), TTN (titin; minus strand). Cytogenetic location: 2q31.2.
Variant type: single nucleotide variant.
Coding change: c.78966T>A on transcript NM_001267550.2 (MANE Select); coding-DNA position 78966, T replaced by A.
Protein change: p.Tyr26322Ter; replaces tyrosine 26322 with a stop codon.
Molecular consequence: nonsense.
Genome position (GRCh38, 1-based): chr2:178,567,166, A>T on the plus strand (T>A on the coding strand, the complement: TTN is on the minus strand). VCF-style: chr2-178567166-A-T. GRCh37 (hg19) VCF-style: chr2-179431893-A-T.
Other names: c.74043T>A, p.Tyr24681Ter (NM_001256850.1); c.51771T>A, p.Tyr17257Ter (NM_003319.4); c.71262T>A, p.Tyr23754Ter (NM_133378.4); c.52146T>A, p.Tyr17382Ter (NM_133432.3); c.52347T>A, p.Tyr17449Ter (NM_133437.4); short protein forms Y17449*, Y17257*, Y26322*, Y17382*, Y23754*, Y24681*.
Identifiers: ClinVar variation 4785316 (VCV004785316.1).